The following is an entry in ClinVar:

NM_001042424.3(NSD2):c.3860T>C (p.Val1287Ala)

Gene: NSD2 (nuclear receptor binding SET domain protein 2; plus strand). Cytogenetic location: 4p16.3.
Variant type: single nucleotide variant.
Coding change: c.3860T>C on transcript NM_001042424.3 (MANE Select); coding-DNA position 3860, T replaced by C.
Protein change: p.Val1287Ala; replaces valine 1287 with alanine.
Molecular consequence: missense variant.
Genome position (GRCh38, 1-based): chr4:1,978,671, T>C. VCF-style: chr4-1978671-T-C. GRCh37 (hg19) VCF-style: chr4-1980398-T-C.
Other names: c.3860T>C, p.Val1287Ala (NM_133330.3, NM_133331.3, NM_133335.4); short protein forms V1287A.
Identifiers: ClinVar variation 3202294 (VCV003202294.4), dbSNP rs1727394054, ClinGen allele CA356004933.

ClinVar aggregate classification (germline): Uncertain significance. Review status: criteria provided, multiple submitters, no conflicts (2 of 4 stars). 2 submissions from 2 submitters: Uncertain significance (2). Last evaluated 2025-11-12.

Conditions:
Inborn genetic diseases. Identifiers: MedGen C0950123, MeSH D030342.

Allele frequency attached by ClinVar (database versions not stated): gnomAD 0.00001.
gnomAD v4.1: 2 of 1,613,520 alleles (0.00012%); highest among the groups gnomAD compares: Non-Finnish European, 0.000085%; no homozygotes.

Submissions (2):

GeneDx
Classification: Uncertain significance. Last evaluated: 2025-11-12. Review status: criteria provided, single submitter. Criteria: GeneDx Variant Classification Process June 2021. Collection method: clinical testing. Allele origin: germline. Affected: yes.
Comment: Not observed at significant frequency in large population cohorts (gnomAD); In silico analysis supports that this missense variant has a deleterious effect on protein structure/function; Has not been previously published as pathogenic or benign to our knowledge

Ambry Genetics
Classification: Uncertain significance for Inborn genetic diseases. Last evaluated: 2022-01-04. Review status: criteria provided, single submitter. Criteria: Ambry Variant Classification Scheme 2023. Collection method: clinical testing. Allele origin: germline.
Comment: The c.3860T>C (p.V1287A) alteration is located in exon 24 (coding exon 21) of the NSD2 gene. This alteration results from a T to C substitution at nucleotide position 3860, causing the valine (V) at amino acid position 1287 to be replaced by an alanine (A). This variant was not reported in population-based cohorts in the Genome Aggregation Database (gnomAD). This amino acid position is highly conserved in available vertebrate species. The in silico prediction for this alteration is inconclusive. Based on insufficient or conflicting evidence, the clinical significance of this alteration remains unclear.